The following is an entry in ClinVar:

ClinVar aggregate classification (germline): Pathogenic (1 of 4 stars; one submission).

Conditions:
Combined immunodeficiency due to ZAP70 deficiency (IMD48). Also called: Immunodeficiency 48; ZAP70 Deficiency. Identifiers: Orphanet 911, MedGen C2931299, MONDO:0010023, OMIM 269840.

Submission:

Labcorp Genetics (formerly Invitae), Labcorp
Classification: Pathogenic for Combined immunodeficiency due to ZAP70 deficiency. Last evaluated: 2021-02-14. Review status: criteria provided, single submitter. Criteria: Invitae Variant Classification Sherloc (09022015). Collection method: clinical testing. Allele origin: germline.
Comment: For these reasons, this variant has been classified as Pathogenic. Studies have shown that this variant is associated with loss of exon 6, which introduces a premature termination codon (PMID: 29684201). The resulting mRNA is expected to undergo nonsense-mediated decay. Experimental studies have shown that this variant affects ZAP70 protein function (PMID: 29684201). This variant has been observed in individual(s) with Epstein-Barr virus-associated lymphoproliferative disorder/lymphoma (PMID: 29684201). This variant is not present in population databases (ExAC no frequency). This sequence change affects an acceptor splice site in intron 5 of the ZAP70 gene. RNA analysis indicates that this variant induces altered splicing and may result in an absent or disrupted protein product.

Literature cited by the submitters: PubMed 29684201.

NM_001079.4(ZAP70):c.703-1G>A

Gene: ZAP70 (zeta chain of T cell receptor associated protein kinase 70; plus strand). Cytogenetic location: 2q11.2.
Variant type: single nucleotide variant.
Coding change: c.703-1G>A on transcript NM_001079.4 (MANE Select); the canonical splice acceptor site of the intron before coding-DNA position 703, G replaced by A.
Molecular consequence: splice acceptor variant.
Genome position (GRCh38, 1-based): chr2:97,733,124, G>A. VCF-style: chr2-97733124-G-A. GRCh37 (hg19) VCF-style: chr2-98349587-G-A.
Other names: c.703-1G>A (NM_001378594.1).
Identifiers: ClinVar variation 1394530 (VCV001394530.8), dbSNP rs2104688189, ClinGen allele CA347798163.